The following is an entry in ClinVar:

ClinVar aggregate classification (germline): Likely benign (0 of 4 stars; one submission).

Conditions:
NCOA1-related disorder. Also called: NCOA1-related condition.

Allele frequency attached by ClinVar (database versions not stated): ExAC 0.00002; gnomAD exomes 0.00003; gnomAD 0.00007; TOPMed 0.00008.
gnomAD v4.1: 51 of 1,614,106 alleles (0.0032%); highest among the groups gnomAD compares: Non-Finnish European, 0.004%; no homozygotes.

Submission:

PreventionGenetics, part of Exact Sciences
Classification: Likely benign for NCOA1-related condition. Last evaluated: 2019-09-13. Review status: no assertion criteria provided. Collection method: clinical testing. Allele origin: germline.
Comment: This variant is classified as likely benign based on ACMG/AMP sequence variant interpretation guidelines (Richards et al. 2015 PMID: 25741868, with internal and published modifications).

NM_003743.5(NCOA1):c.2025T>C (p.Ser675=)

Gene: NCOA1 (nuclear receptor coactivator 1; plus strand). Cytogenetic location: 2p23.3.
Variant type: single nucleotide variant.
Coding change: c.2025T>C on transcript NM_003743.5 (MANE Select); coding-DNA position 2025, T replaced by C.
Protein change: p.Ser675=; no amino-acid change (serine 675 retained).
Molecular consequence: synonymous variant.
Genome position (GRCh38, 1-based): chr2:24,707,495, T>C. VCF-style: chr2-24707495-T-C. GRCh37 (hg19) VCF-style: chr2-24930364-T-C.
Other names: c.2025T>C, p.Ser675= (NM_001362950.1, NM_001362952.1, NM_001362954.1 and 3 more transcripts).
Identifiers: ClinVar variation 3039870 (VCV003039870.2), dbSNP rs532877770, ClinGen allele CA1552342.